The following is an entry in ClinVar:

NM_000264.5(PTCH1):c.1744G>A (p.Val582Met)

Genes: PTCH1 (patched 1; minus strand), LOC100507346 (uncharacterized LOC100507346; plus strand). Cytogenetic location: 9q22.32.
Variant type: single nucleotide variant.
Coding change: c.1744G>A on transcript NM_000264.5 (MANE Select); coding-DNA position 1744, G replaced by A.
Protein change: p.Val582Met; replaces valine 582 with methionine.
Molecular consequence: missense variant. On other transcripts: non-coding transcript variant (2).
Genome position (GRCh38, 1-based): chr9:95,469,916, C>T on the plus strand (G>A on the coding strand, the complement: PTCH1 is on the minus strand). VCF-style: chr9-95469916-C-T. GRCh37 (hg19) VCF-style: chr9-98232198-C-T.
Other names: c.1546G>A, p.Val516Met (NM_001083602.3); c.1741G>A, p.Val581Met (NM_001083603.3); c.1291G>A, p.Val431Met (NM_001083604.3, NM_001083605.3, NM_001083606.3 and 1 more transcripts); c.1588G>A, p.Val530Met (NM_001354918.2); short protein forms V581M, V582M, V530M, V516M, V431M.
Identifiers: ClinVar variation 2067142 (VCV002067142.6), dbSNP rs2118097753, ClinGen allele CA374116450.

ClinVar aggregate classification (germline): Uncertain significance. Review status: criteria provided, multiple submitters, no conflicts (2 of 4 stars). 3 submissions from 3 submitters: Uncertain significance (3). Last evaluated 2025-07-11.

Conditions:
Gorlin syndrome. Also called: Basal cell nevus syndrome; Nevoid Basal Cell Carcinoma Syndrome. Identifiers: Orphanet 377, MedGen C0004779, MONDO:0007187.
Hereditary cancer-predisposing syndrome. Also called: Tumor predisposition; Hereditary Cancer Syndrome; Hereditary neoplastic syndrome; Neoplastic Syndromes, Hereditary. Identifiers: Orphanet 140162, MedGen C0027672, MeSH D009386, MONDO:0015356.

Submissions (3):

GeneDx
Classification: Uncertain significance. Last evaluated: 2025-07-11. Review status: criteria provided, single submitter. Criteria: GeneDx Variant Classification Process June 2021. Collection method: clinical testing. Allele origin: germline. Affected: yes.
Comment: Not observed at significant frequency in large population cohorts (gnomAD); In silico analysis suggests that this missense variant does not alter protein structure/function; Has not been previously published as pathogenic or benign to our knowledge; This variant is associated with the following publications: (PMID: 11369205)

Ambry Genetics
Classification: Uncertain significance for Hereditary cancer-predisposing syndrome. Last evaluated: 2024-10-07. Review status: criteria provided, single submitter. Criteria: Ambry Variant Classification Scheme 2023. Collection method: clinical testing. Allele origin: germline.
Comment: The p.V582M variant (also known as c.1744G>A), located in coding exon 13 of the PTCH1 gene, results from a G to A substitution at nucleotide position 1744. The valine at codon 582 is replaced by methionine, an amino acid with highly similar properties. This amino acid position is highly conserved in available vertebrate species. In addition, this alteration is predicted to be deleterious by in silico analysis. Based on the available evidence, the clinical significance of this variant remains unclear.

Labcorp Genetics (formerly Invitae), Labcorp
Classification: Uncertain significance for Gorlin syndrome. Last evaluated: 2023-12-10. Review status: criteria provided, single submitter. Criteria: Invitae Variant Classification Sherloc (09022015). Collection method: clinical testing. Allele origin: germline.
Comment: This sequence change replaces valine, which is neutral and non-polar, with methionine, which is neutral and non-polar, at codon 582 of the PTCH1 protein (p.Val582Met). This variant is not present in population databases (gnomAD no frequency). This variant has not been reported in the literature in individuals affected with PTCH1-related conditions. ClinVar contains an entry for this variant (Variation ID: 2067142). Advanced modeling of protein sequence and biophysical properties (such as structural, functional, and spatial information, amino acid conservation, physicochemical variation, residue mobility, and thermodynamic stability) performed at Invitae indicates that this missense variant is not expected to disrupt PTCH1 protein function with a negative predictive value of 95%. In summary, the available evidence is currently insufficient to determine the role of this variant in disease. Therefore, it has been classified as a Variant of Uncertain Significance.